The following is an entry in ClinVar:

NM_002817.4(PSMD13):c.-20C>T

Genes: PSMD13 (proteasome 26S subunit, non-ATPase 13; plus strand), SIRT3 (sirtuin 3; minus strand), LOC130005040 (ATAC-STARR-seq lymphoblastoid active region 4256; plus strand). Cytogenetic location: 11p15.5.
Variant type: single nucleotide variant.
Coding change: c.-20C>T on transcript NM_002817.4 (MANE Select); 20 bases upstream of the start codon, C replaced by T.
Molecular consequence: 5 prime UTR variant.
Genome position (GRCh38, 1-based): chr11:237,030, C>T. VCF-style: chr11-237030-C-T. GRCh37 (hg19) VCF-style: chr11-237030-C-T.
Other names: c.-20C>T (NM_175932.3).
Identifiers: ClinVar variation 3038876 (VCV003038876.6), dbSNP rs12293349, ClinGen allele CA5771384.

ClinVar aggregate classification (germline): Benign. Review status: criteria provided, single submitter (1 of 4 stars). 2 submissions from 2 submitters: Benign (1). 1 of the submissions does not count toward it. Last evaluated 2026-01-01.

Conditions:
PSMD13-related disorder. Also called: PSMD13-related condition.

Allele frequency attached by ClinVar (database versions not stated): 1000 Genomes Project 30x 0.00390; 1000 Genomes Project 0.00399; TOPMed 0.00682; gnomAD 0.00721; ExAC 0.00788; ESP Exome Variant Server 0.00884.
gnomAD v4.1: 17,347 of 1,593,610 alleles (1.1%); highest among the groups gnomAD compares: Non-Finnish European, 1.3%; 130 homozygotes.

Submissions (2):

CeGaT Center for Human Genetics Tuebingen
Classification: Benign. Last evaluated: 2026-01-01. Review status: criteria provided, single submitter. Criteria: CeGaT Center For Human Genetics Tuebingen Variant Classification Criteria Version 2. Collection method: clinical testing. Allele origin: germline. Affected: yes. Observed: 1 variant allele.
Comment: PSMD13: BS1, BS2; SIRT3: BS1, BS2

PreventionGenetics, part of Exact Sciences
Classification: Likely benign for PSMD13-related condition. Last evaluated: 2019-02-21. Review status: no assertion criteria provided. Collection method: clinical testing. Allele origin: germline. Not counted in ClinVar's aggregate classification.
Comment: This variant is classified as likely benign based on ACMG/AMP sequence variant interpretation guidelines (Richards et al. 2015 PMID: 25741868, with internal and published modifications).